The following is an entry in ClinVar:

ClinVar aggregate classification (germline): Pathogenic/Likely pathogenic. Review status: criteria provided, multiple submitters, no conflicts (2 of 4 stars). 4 submissions from 4 submitters: Pathogenic (2); Likely pathogenic (2). Last evaluated 2025-06-25.

Conditions:
Medium-chain acyl-coenzyme A dehydrogenase deficiency (ACADMD). Also called: Medium chain acyl-CoA dehydrogenase deficiency; MCAD Deficiency; ACADM DEFICIENCY; CARNITINE DEFICIENCY SECONDARY TO MEDIUM-CHAIN ACYL-CoA DEHYDROGENASE DEFICIENCY; MCADH DEFICIENCY; MCADD. Identifiers: Orphanet 42, MedGen C0220710, MONDO:0008721, OMIM 201450.

Allele frequency attached by ClinVar (database versions not stated): TOPMed below 0.00001.

Submissions (4):

Natera, Inc.
Classification: Likely pathogenic for Medium Chain Acyl-CoA Dehydrogenase Deficiency. Last evaluated: 2025-06-25. Review status: criteria provided, single submitter. Criteria: Natera Variant Classification Schema (03/2026). Collection method: clinical testing. Allele origin: germline.
Comment: The c.67C>T variant in ACADM is a nonsense variant predicted to introduce a stop codon at amino acid 23. This variant is expected to result in nonsense mediated decay, truncation, or a dysfunctional protein product. This variant is rare in the general population with a frequency below the threshold expected for the associated phenotype(s). Given the available evidence, this variant is classified as Likely Pathogenic.

Myriad Genetics, Inc.
Classification: Pathogenic for Medium-chain acyl-coenzyme A dehydrogenase deficiency. Last evaluated: 2024-05-08. Review status: criteria provided, single submitter. Criteria: Myriad Autosomal Dominant, Autosomal Recessive and X-Linked Classification Criteria (2023). Collection method: clinical testing. Allele origin: unknown.
Comment: NM_000016.4(ACADM):c.67C>T(Q23*) is expected to be pathogenic in the context of medium-chain acyl-CoA dehydrogenase deficiency. This variant is predicted to lead to an abnormal or absent protein product due to the creation of a premature termination codon in ACADM, a gene where loss-of-function variants are known to be pathogenic. Please note: this variant was assessed in the context of healthy population screening.

Baylor Genetics
Classification: Likely pathogenic for Medium-chain acyl-coenzyme A dehydrogenase deficiency. Last evaluated: 2023-11-22. Review status: criteria provided, single submitter. Criteria: ACMG Guidelines, 2015. Collection method: clinical testing. Allele origin: unknown.

Labcorp Genetics (formerly Invitae), Labcorp
Classification: Pathogenic for Medium-chain acyl-coenzyme A dehydrogenase deficiency. Last evaluated: 2018-11-07. Review status: criteria provided, single submitter. Criteria: Invitae Variant Classification Sherloc (09022015). Collection method: clinical testing. Allele origin: germline.
Comment: This variant is not present in population databases (ExAC no frequency). This sequence change creates a premature translational stop signal (p.Gln23*) in the ACADM gene. It is expected to result in an absent or disrupted protein product. This variant has not been reported in the literature in individuals with ACADM-related disease. For these reasons, this variant has been classified as Pathogenic. Loss-of-function variants in ACADM are known to be pathogenic (PMID: 16121256, 20434380).

Literature cited by the submitters: PubMed 16121256 (cited by Labcorp Genetics (formerly Invitae), Labcorp); PubMed 20434380 (cited by Labcorp Genetics (formerly Invitae), Labcorp).

NM_000016.6(ACADM):c.67C>T (p.Gln23Ter)

Gene: ACADM (acyl-CoA dehydrogenase medium chain; plus strand). Cytogenetic location: 1p31.1.
Variant type: single nucleotide variant.
Coding change: c.67C>T on transcript NM_000016.6 (MANE Select); coding-DNA position 67, C replaced by T.
Protein change: p.Gln23Ter; replaces glutamine 23 with a stop codon.
Molecular consequence: nonsense. On other transcripts: intron variant (2).
Genome position (GRCh38, 1-based): chr1:75,728,437, C>T. VCF-style: chr1-75728437-C-T. GRCh37 (hg19) VCF-style: chr1-76194122-C-T.
Other names: c.67C>T, p.Gln23Ter (NM_001286043.2); c.10+3620C>T (NM_001286042.2); c.-268+3620C>T (NM_001286044.2); c.79C>T, p.Gln27Ter (NM_001127328.3); short protein forms Q27*, Q23*.
Identifiers: ClinVar variation 665907 (VCV000665907.10), dbSNP rs1570851702, ClinGen allele CA340807126.
Genomic context (GRCh38, chr1:75,728,437, plus strand): 5'-TTTTAATAAAAGTGTTCTTTACAGGTCCTGAGAAGTATTTCTCGTTTTCATTGGAGATCA[C>T]AGCATACAAAAGCCAATCGACAACGTGAACCAGGATTAGGATTTAGTTTTGGTATATGTT-3'